The following is an entry in ClinVar:

NM_001377295.2(GNAT2):c.808AAG[1] (p.Lys271del)

Gene: GNAT2 (G protein subunit alpha transducin 2; minus strand). Cytogenetic location: 1p13.3.
Variant type: Microsatellite.
Coding change: c.808AAG[1] on transcript NM_001377295.2 (MANE Select); one copy of the 3-base unit AAG starting at c.808; the reference has two copies in a row; one copy, 3 bases deleted.
Protein change: p.Lys271del; deletes lysine 271.
Molecular consequence: inframe deletion.
Genome position (GRCh38, 1-based): chr1:109,604,012-109,604,014, CTT deleted on the plus strand (AAG on the coding strand, the reverse complement: GNAT2 is on the minus strand); deleting any 3 consecutive bases within chr1:109,604,012-109,604,017 gives the same sequence; the position shown is the placement nearest the transcript's 3' end. VCF-style (leftmost placement, unchanged base first): chr1-109604011-CCTT-C. GRCh37 (hg19) VCF-style: chr1-110146633-CCTT-C.
Other names: c.808AAG[1], p.Lys271del (NM_001379232.1, NM_005272.5); c.811_813del (NM_005272.5); short protein forms K271del.
Identifiers: ClinVar variation 623283 (VCV000623283.7), dbSNP rs1268228697, ClinGen allele CA525287157.

ClinVar aggregate classification (germline): Conflicting classifications of pathogenicity. Review status: criteria provided, conflicting classifications (1 of 4 stars). 4 submissions from 4 submitters: Likely pathogenic (1); Uncertain significance (2). 1 of the submissions does not count toward it. Last evaluated 2024-11-05.

Conditions:
Achromatopsia 4 (ACHM4). Identifiers: Orphanet 49382, MedGen C1841721, MONDO:0013465, OMIM 613856.

Submissions (4):

Labcorp Genetics (formerly Invitae), Labcorp
Classification: Uncertain significance. Last evaluated: 2024-11-05. Review status: criteria provided, single submitter. Criteria: Invitae Variant Classification Sherloc (09022015). Collection method: clinical testing. Allele origin: germline.
Comment: This variant, c.811_813del, results in the deletion of 1 amino acid(s) of the GNAT2 protein (p.Lys271del), but otherwise preserves the integrity of the reading frame. This variant is present in population databases (no rsID available, gnomAD 0.006%). This variant has been observed in individual(s) with cone and cone-rod dystrophy (PMID: 35119454). Experimental studies and prediction algorithms are not available or were not evaluated, and the functional significance of this variant is currently unknown. In summary, the available evidence is currently insufficient to determine the role of this variant in disease. Therefore, it has been classified as a Variant of Uncertain Significance.

Blueprint Genetics
Classification: Uncertain significance. Last evaluated: 2022-07-27. Review status: criteria provided, single submitter. Criteria: ACMG Guidelines, 2015. Collection method: clinical testing. Allele origin: germline.

Clinical Genetics Service, Universitary Hospital 12 de Octubre
Classification: Likely pathogenic for Achromatopsia 4. Review status: criteria provided, single submitter. Criteria: ACMG Guidelines, 2015. Collection method: clinical testing. Allele origin: germline. Affected: yes.

Molecular Genetics Laboratory, Institute for Ophthalmic Research
Classification: Likely pathogenic for Achromatopsia 4. Last evaluated: 2018-06-12. Review status: no assertion criteria provided. Collection method: research. Allele origin: germline. Affected: yes. Not counted in ClinVar's aggregate classification.

Literature cited by the submitters: PubMed 35119454 (cited by Labcorp Genetics (formerly Invitae), Labcorp); PubMed 15094710 (cited by Molecular Genetics Laboratory, Institute for Ophthalmic Research).